The following is an entry in ClinVar:

NM_003072.5(SMARCA4):c.1644G>A (p.Lys548=)

Gene: SMARCA4 (SWI/SNF related BAF chromatin remodeling complex subunit ATPase 4; plus strand). Cytogenetic location: 19p13.2.
Variant type: single nucleotide variant.
Coding change: c.1644G>A on transcript NM_003072.5 (MANE Select); coding-DNA position 1644, G replaced by A.
Protein change: p.Lys548=; no amino-acid change (lysine 548 retained).
Molecular consequence: synonymous variant. On other transcripts: non-coding transcript variant (1).
Genome position (GRCh38, 1-based): chr19:10,996,263, G>A. VCF-style: chr19-10996263-G-A. GRCh37 (hg19) VCF-style: chr19-11106939-G-A.
Other names: c.1644G>A, p.Lys548= (NM_001128844.3, NM_001128845.2, NM_001128846.2 and 5 more transcripts).
Identifiers: ClinVar variation 470252 (VCV000470252.9), dbSNP rs1555763625, ClinGen allele CA505744271.

ClinVar aggregate classification (germline): Likely benign. Review status: criteria provided, multiple submitters, no conflicts (2 of 4 stars). 2 submissions from 2 submitters: Likely benign (2). Last evaluated 2025-06-25.

Conditions:
SMARCA4-related disorder. Also called: SMARCA4-related condition.
Rhabdoid tumor predisposition syndrome 2 (RTPS2). Identifiers: Orphanet 231108, Orphanet 69077, MedGen C2750074, MONDO:0013224, OMIM 613325.

Allele frequency attached by ClinVar (database versions not stated): gnomAD exomes below 0.00001.
gnomAD v4.1: 2 of 1,614,252 alleles (0.00012%); highest among the groups gnomAD compares: Non-Finnish European, 0.00017%; no homozygotes.

Submissions (2):

PreventionGenetics, part of Exact Sciences
Classification: Likely benign for SMARCA4-related condition. Last evaluated: 2025-06-25. Review status: criteria provided, single submitter. Criteria: ACMG Guidelines, 2015. Collection method: clinical testing. Allele origin: germline.
Comment: This variant is classified as likely benign based on ACMG/AMP sequence variant interpretation guidelines (Richards et al. 2015 PMID: 25741868, with internal and published modifications).

Labcorp Genetics (formerly Invitae), Labcorp
Classification: Likely benign for Rhabdoid tumor predisposition syndrome 2. Last evaluated: 2017-07-14. Review status: criteria provided, single submitter. Criteria: Invitae Variant Classification Sherloc (09022015). Collection method: clinical testing. Allele origin: germline.